The following is an entry in ClinVar:

NM_001042492.3(NF1):c.4333-1G>C

Gene: NF1 (neurofibromin 1; plus strand). Cytogenetic location: 17q11.2.
Variant type: single nucleotide variant.
Coding change: c.4333-1G>C on transcript NM_001042492.3 (MANE Select); the canonical splice acceptor site of the intron before coding-DNA position 4333, G replaced by C.
Molecular consequence: splice acceptor variant.
Genome position (GRCh38, 1-based): chr17:31,259,031, G>C. VCF-style: chr17-31259031-G-C. GRCh37 (hg19) VCF-style: chr17-29586049-G-C.
Other names: c.4270-1G>C (NM_000267.4).
Identifiers: ClinVar variation 950496 (VCV000950496.9), dbSNP rs1418965797, ClinGen allele CA398998671.

ClinVar aggregate classification (germline): Pathogenic. Review status: criteria provided, multiple submitters, no conflicts (2 of 4 stars). 2 submissions from 2 submitters: Pathogenic (2). Last evaluated 2025-11-18.

Conditions:
Neurofibromatosis, type 1 (NF1). Also called: VON RECKLINGHAUSEN DISEASE; NEUROFIBROMATOSIS, TYPE I, SOMATIC; Peripheral type neurofibromatosis; Neurofibromatosis, type I. Identifiers: Orphanet 636, MedGen C0027831, MONDO:0018975, OMIM 162200. Disease mechanism: loss of function.

Submissions (2):

Labcorp Genetics (formerly Invitae), Labcorp
Classification: Pathogenic for Neurofibromatosis, type 1. Last evaluated: 2025-11-18. Review status: criteria provided, single submitter. Criteria: Invitae Variant Classification Sherloc (09022015). Collection method: clinical testing. Allele origin: germline.
Comment: This sequence change affects an acceptor splice site in intron 31 of the NF1 gene. RNA analysis indicates that disruption of this splice site induces altered splicing and likely results in the loss of 3 amino acid residue(s), but is expected to preserve the integrity of the reading-frame. This variant is not present in population databases (gnomAD no frequency). Disruption of this splice site has been observed in individual(s) with clinical features of neurofibromatosis type 1 (PMID: 18800150, 23913538, 33443663). Invitae Evidence Modeling of clinical and family history, age, sex, and reported ancestry of multiple individuals with this NF1 variant has been performed. This variant is expected to be pathogenic with a positive predictive value of at least 99%. This is a validated machine learning model that incorporates the clinical features of 1,785,918 individuals referred to our laboratory for NF1 testing. ClinVar contains an entry for this variant (Variation ID: 950496). Studies have shown that disruption of this splice site results in the activation of a cryptic splice site in exon 32 (PMID: 23913538). This variant disrupts a region of the NF1 protein in which other variant(s) (p.Leu1425Pro) have been determined to be pathogenic (PMID: 10607834, 10712197, 31730495). This suggests that this is a clinically significant region of the protein, and that variants that disrupt it are likely to be disease-causing. For these reasons, this variant has been classified as Pathogenic.

Juno Genomics, Hangzhou Juno Genomics, Inc
Classification: Pathogenic for Neurofibromatosis, type 1. Review status: criteria provided, single submitter. Criteria: ACMG Guidelines, 2015. Collection method: clinical testing. Allele origin: germline. Affected: yes.
Comment: Absent from controls (or at extremely low frequency if recessive) in Genome Aggregation Database, Exome Sequencing Project, 1000 Genomes Project, or Exome Aggregation Consortium.;Null variant in a gene where loss of function (LOF) is a known mechanism of disease.;The prevalence of the variant in affected individuals is significantly increased compared to the prevalence in controls.;De novo (both maternity and paternity confirmed) in a patient with the disease and no family history.;Patient's phenotype or family history is highly specific for a disease with a single genetic etiology.

Literature cited by the submitters: PubMed 18800150 (cited by Labcorp Genetics (formerly Invitae), Labcorp); PubMed 23913538 (cited by Labcorp Genetics (formerly Invitae), Labcorp); PubMed 33443663 (cited by Labcorp Genetics (formerly Invitae), Labcorp); PubMed 10607834 (cited by Labcorp Genetics (formerly Invitae), Labcorp); PubMed 10712197 (cited by Labcorp Genetics (formerly Invitae), Labcorp); PubMed 31730495 (cited by Labcorp Genetics (formerly Invitae), Labcorp).